The following is an entry in ClinVar:

ClinVar aggregate classification (germline): Uncertain significance (1 of 4 stars; one submission).

Conditions:
Hereditary pheochromocytoma and paraganglioma. Also called: Hereditary paragangliomas and pheochromocytomas; Hereditary Paraganglioma-Pheochromocytoma Syndromes; Hereditary pheochromocytoma-paraganglioma. Identifiers: Orphanet 29072, MedGen C4274332, MONDO:0017366.

Submission:

Labcorp Genetics (formerly Invitae), Labcorp
Classification: Uncertain significance for Hereditary pheochromocytoma and paraganglioma. Last evaluated: 2023-01-20. Review status: criteria provided, single submitter. Criteria: Invitae Variant Classification Sherloc (09022015). Collection method: clinical testing. Allele origin: germline.
Comment: In summary, the available evidence is currently insufficient to determine the role of this variant in disease. Therefore, it has been classified as a Variant of Uncertain Significance. Algorithms developed to predict the effect of missense changes on protein structure and function are either unavailable or do not agree on the potential impact of this missense change (SIFT: "Tolerated"; PolyPhen-2: "Possibly Damaging"; Align-GVGD: "Class C0"). This variant has not been reported in the literature in individuals affected with MAX-related conditions. This variant is not present in population databases (gnomAD no frequency). This sequence change replaces glutamic acid, which is acidic and polar, with glutamine, which is neutral and polar, at codon 10 of the MAX protein (p.Glu10Gln).

NM_002382.5(MAX):c.28G>C (p.Glu10Gln)

Genes: MAX (MYC associated transcriptional regulator X; minus strand), LOC130055850 (ATAC-STARR-seq lymphoblastoid silent region 5847; plus strand). Cytogenetic location: 14q23.3.
Variant type: single nucleotide variant.
Coding change: c.28G>C on transcript NM_002382.5 (MANE Select); coding-DNA position 28, G replaced by C.
Protein change: p.Glu10Gln; replaces glutamic acid 10 with glutamine.
Molecular consequence: missense variant. On other transcripts: 5 prime UTR variant (2), intron variant (2).
Genome position (GRCh38, 1-based): chr14:65,102,312, C>G on the plus strand (G>C on the coding strand, the complement: MAX is on the minus strand). VCF-style: chr14-65102312-C-G. GRCh37 (hg19) VCF-style: chr14-65569030-C-G.
Other names: c.28G>C, p.Glu10Gln (NM_001407101.1, NM_001407102.1, NM_001407103.1 and 18 more transcripts); c.-220G>C (NM_001407107.1); c.-247G>C (NM_001320415.2); c.-305+197G>C (NM_001407112.1); c.-239+197G>C (NM_001407106.1); short protein forms E10Q.
Identifiers: ClinVar variation 2886354 (VCV002886354.3), dbSNP rs2139976890, ClinGen allele CA390038959.
Genomic context (GRCh38, chr14:65,102,312, plus strand): 5'-CGCTGTCCCCGCCTGACAACCCGCACGGGAAGGAAGAAGCCCCAGGACTCACGTCGCTCT[C>G]CACCTCGATGTCATCGTTATCGCTCATTTCCTACGGCCCAGGGAGCGGCCACTGCAGCGG-3'
Protein context (NP_002373.3, residues 1-20): MSDNDDIEV[Glu10Gln]SDEEQPRFQS